The following is an entry in ClinVar:

ClinVar aggregate classification (germline): Uncertain significance (1 of 4 stars; one submission).

Allele frequency attached by ClinVar (database versions not stated): gnomAD exomes below 0.00001; TOPMed below 0.00001; gnomAD 0.00001.
gnomAD v4.1: 7 of 1,613,674 alleles (0.00043%); highest among the groups gnomAD compares: Non-Finnish European, 0.00042%; no homozygotes.

Submission:

Labcorp Genetics (formerly Invitae), Labcorp
Classification: Uncertain significance. Last evaluated: 2021-09-30. Review status: criteria provided, single submitter. Criteria: Invitae Variant Classification Sherloc (09022015). Collection method: clinical testing. Allele origin: germline.
Comment: This sequence change replaces glycine with arginine at codon 668 of the PCDH15 protein (p.Gly668Arg). The glycine residue is highly conserved and there is a moderate physicochemical difference between glycine and arginine. This variant is not present in population databases (ExAC no frequency). This variant has not been reported in the literature in individuals with PCDH15-related conditions. Algorithms developed to predict the effect of missense changes on protein structure and function are either unavailable or do not agree on the potential impact of this missense change (SIFT: "Deleterious"; PolyPhen-2: "Probably Damaging"; Align-GVGD: "Class C15"). In summary, the available evidence is currently insufficient to determine the role of this variant in disease. Therefore, it has been classified as a Variant of Uncertain Significance.

NM_001384140.1(PCDH15):c.2002G>A (p.Gly668Arg)

Gene: PCDH15 (protocadherin related 15; minus strand). Cytogenetic location: 10q21.1.
Variant type: single nucleotide variant.
Coding change: c.2002G>A on transcript NM_001384140.1 (MANE Select); coding-DNA position 2002, G replaced by A.
Protein change: p.Gly668Arg; replaces glycine 668 with arginine.
Molecular consequence: missense variant.
Genome position (GRCh38, 1-based): chr10:54,079,420, C>T on the plus strand (G>A on the coding strand, the complement: PCDH15 is on the minus strand). VCF-style: chr10-54079420-C-T. GRCh37 (hg19) VCF-style: chr10-55839180-C-T.
Other names: c.2017G>A, p.Gly673Arg (NM_001142763.2, NM_001142771.2); c.2002G>A, p.Gly668Arg (NM_001142764.2, NM_001142766.2, NM_001142770.3 and 5 more transcripts); c.1789G>A, p.Gly597Arg (NM_001142765.2); c.1891G>A, p.Gly631Arg (NM_001142767.2); c.1936G>A, p.Gly646Arg (NM_001142768.2, NM_001142773.2, NM_001354404.2); c.2038G>A, p.Gly680Arg (NM_001142769.4); c.2023G>A, p.Gly675Arg (NM_001354411.2); short protein forms G675R, G680R, G646R, G673R, G597R, G631R, G668R.
Identifiers: ClinVar variation 1354304 (VCV001354304.5), dbSNP rs1051206153, ClinGen allele CA207193341.
Genomic context (GRCh38, chr10:54,079,420, plus strand): 5'-TGATCAGAATGTAGCGATCAGTGCTTTCCCTGTCCAGTGCTTTCCCTAAGGTTAGAATCC[C>T]CGTGCTAGTGACAAAACAAACAAACAAATAAGACAAAAAGAGATATTATGTCACAAGGAG-3'
Protein context (NP_001371069.1, residues 658-678): QRVFNLSETT[Gly668Arg]ILTLGKALDR